The following is an entry in ClinVar:

NM_138576.4(BCL11B):c.1566C>G (p.Ser522Arg)

Gene: BCL11B (BCL11 transcription factor B; minus strand). Cytogenetic location: 14q32.2.
Variant type: single nucleotide variant.
Coding change: c.1566C>G on transcript NM_138576.4 (MANE Select); coding-DNA position 1566, C replaced by G.
Protein change: p.Ser522Arg; replaces serine 522 with arginine.
Molecular consequence: missense variant.
Genome position (GRCh38, 1-based): chr14:99,175,270, G>C on the plus strand (C>G on the coding strand, the complement: BCL11B is on the minus strand). VCF-style: chr14-99175270-G-C. GRCh37 (hg19) VCF-style: chr14-99641607-G-C.
Other names: c.1563C>G, p.Ser521Arg (NM_001282237.2); c.1350C>G, p.Ser450Arg (NM_001282238.2); c.1353C>G, p.Ser451Arg (NM_022898.3); short protein forms S450R, S451R, S521R, S522R.
Identifiers: ClinVar variation 1304336 (VCV001304336.6), dbSNP rs1433770461, ClinGen allele CA390935095.

ClinVar aggregate classification (germline): Uncertain significance. Review status: criteria provided, multiple submitters, no conflicts (2 of 4 stars). 2 submissions from 2 submitters: Uncertain significance (2). Last evaluated 2024-04-11.

gnomAD v4.1: 6 of 1,541,164 alleles (0.00039%); highest among the groups gnomAD compares: East Asian, 0.015%; no homozygotes.

Submissions (2):

GeneDx
Classification: Uncertain significance. Last evaluated: 2024-04-11. Review status: criteria provided, single submitter. Criteria: GeneDx Variant Classification Process June 2021. Collection method: clinical testing. Allele origin: germline. Affected: yes.
Comment: Not observed at significant frequency in large population cohorts (gnomAD); In silico analysis indicates that this missense variant does not alter protein structure/function; Has not been previously published as pathogenic or benign to our knowledge

Labcorp Genetics (formerly Invitae), Labcorp
Classification: Uncertain significance. Last evaluated: 2023-12-14. Review status: criteria provided, single submitter. Criteria: Invitae Variant Classification Sherloc (09022015). Collection method: clinical testing. Allele origin: germline.
Comment: This sequence change replaces serine, which is neutral and polar, with arginine, which is basic and polar, at codon 522 of the BCL11B protein (p.Ser522Arg). This variant is not present in population databases (gnomAD no frequency). This variant has not been reported in the literature in individuals affected with BCL11B-related conditions. ClinVar contains an entry for this variant (Variation ID: 1304336). Advanced modeling of protein sequence and biophysical properties (such as structural, functional, and spatial information, amino acid conservation, physicochemical variation, residue mobility, and thermodynamic stability) performed at Invitae indicates that this missense variant is not expected to disrupt BCL11B protein function with a negative predictive value of 80%. In summary, the available evidence is currently insufficient to determine the role of this variant in disease. Therefore, it has been classified as a Variant of Uncertain Significance.